The following is an entry in ClinVar:

ClinVar aggregate classification (germline): Likely pathogenic (1 of 4 stars; one submission).

Conditions:
Spastic paraplegia 85, autosomal recessive (SPG85). Identifiers: Orphanet 631082, MedGen C5562053, MONDO:0030512, OMIM 619686.

gnomAD v4.1: 9 of 1,613,960 alleles (0.00056%); highest among the groups gnomAD compares: Non-Finnish European, 0.00076%; no homozygotes.

Submission:

Women's Health and Genetics/Laboratory Corporation of America, LabCorp
Classification: Likely pathogenic for Spastic paraplegia 85, autosomal recessive. Last evaluated: 2026-05-07. Review status: criteria provided, single submitter. Criteria: LabCorp Variant Classification Summary - May 2015. Collection method: clinical testing. Allele origin: germline.
Comment: Variant summary: RNF170 c.137+1G>A is located in a canonical splice-site and is predicted to affect mRNA splicing resulting in a significantly altered protein due to either exon skipping, shortening, or inclusion of intronic material. Variants that disrupt the consensus splice site are a relatively common cause of aberrant splicing and loss of RNF170 function. Several computational tools predict a significant impact on normal splicing: Three predict the variant abolishes a 5' splicing donor site. However, these predictions have yet to be confirmed by functional studies. The variant was absent in 251464 control chromosomes. To our knowledge, no occurrence of c.137+1G>A in individuals affected with RNF170-related conditions and no experimental evidence demonstrating its impact on protein function have been reported. No submitters have cited clinical-significance assessments for this variant to ClinVar. Based on the evidence outlined above, the variant was classified as likely pathogenic.

NM_030954.4(RNF170):c.137+1G>A

Gene: RNF170 (ring finger protein 170; minus strand). Cytogenetic location: 8p11.21.
Variant type: single nucleotide variant.
Coding change: c.137+1G>A on transcript NM_030954.4 (MANE Select); the canonical splice donor site of the intron after coding-DNA position 137, G replaced by A.
Molecular consequence: splice donor variant. On other transcripts: intron variant (1).
Genome position (GRCh38, 1-based): chr8:42,887,727, C>T on the plus strand (G>A on the coding strand, the complement: RNF170 is on the minus strand). VCF-style: chr8-42887727-C-T. GRCh37 (hg19) VCF-style: chr8-42742870-C-T.
Other names: c.137+1G>A (NM_001160224.2, NM_001160223.2); c.-116+122G>A (NM_001160225.2).
Identifiers: ClinVar variation 4853501 (VCV004853501.1).